The following is an entry in ClinVar:

NM_006236.3(POU3F3):c.1197del (p.Ile400fs)

Gene: POU3F3 (POU class 3 homeobox 3; plus strand). Cytogenetic location: 2q12.1.
Variant type: Deletion.
Coding change: c.1197del on transcript NM_006236.3 (MANE Select); coding-DNA position 1197, one base deleted (G; older notation c.1197delG).
Protein change: p.Ile400fs; shifts the reading frame from isoleucine 400.
Molecular consequence: frameshift variant.
Genome position (GRCh38, 1-based): chr2:104,856,707, G deleted. VCF-style (leftmost placement, unchanged base first): chr2-104856706-AG-A. GRCh37 (hg19) VCF-style: chr2-105473164-AG-A.
Other names: c.1197delG (NM_006236.1); c.1197del (NM_006236.1); short protein forms I400fs.
Identifiers: ClinVar variation 521216 (VCV000521216.6), dbSNP rs1553426479, ClinGen allele CA658795837.

ClinVar aggregate classification (germline): Pathogenic/Likely pathogenic. Review status: criteria provided, multiple submitters, no conflicts (2 of 4 stars). 2 submissions from 2 submitters: Pathogenic (1); Likely pathogenic (1). Last evaluated 2025-03-30.

Conditions:
Inborn genetic diseases. Identifiers: MedGen C0950123, MeSH D030342.

Submissions (2):

GeneDx
Classification: Pathogenic. Last evaluated: 2025-03-30. Review status: criteria provided, single submitter. Criteria: GeneDx Variant Classification Process June 2021. Collection method: clinical testing. Allele origin: germline. Affected: yes.
Comment: Published functional studies suggest a damaging effect with impaired subcellualar localization, transactivation activity, and dimerization capacity (PMID: 31303265); Frameshift variant predicted to result in abnormal protein length as the last 101 amino acids are replaced with 15 different amino acids, and other similar variants have been reported in HGMD.; Not observed at significant frequency in large population cohorts (gnomAD); This variant is associated with the following publications: (PMID: 31303265)

Ambry Genetics
Classification: Likely pathogenic for Inborn genetic diseases. Last evaluated: 2020-02-13. Review status: criteria provided, single submitter. Criteria: Ambry Variant Classification Scheme 2023. Collection method: clinical testing. Allele origin: germline.
Comment: The alteration results in a premature stop codon: _x000D_ _x000D_ The c.1197delG (p.I400Sfs*16) alteration, located in coding exon 1 of the POU3F3 gene, consists of a deletion of one nucleotide at position 1197, causing a translational frameshift with a predicted alternate stop codon after 16 amino acids. Frameshifts are typically deleterious in nature; however, because POU3F3 is a single-exon gene this alteration is not expected to trigger nonsense-mediated mRNA decay and an altered protein could still be expressed (Maquat, 2004). This alteration impacts the last 101 amino acids of the protein and this region contains the C-terminal POU-homeobox domain, which is required for sequence specific DNA binding (Rosenfeld, 1991) and in vitro studies have shown that this alteration results in abnormal subcellular localization, significantly decreased transcriptional activation function, and significantly decreased dimerization (Snijders Blok, 2019). The alteration is not observed in population databases: _x000D_ _x000D_ Based on data from the Genome Aggregation Database (gnomAD), the POU3F3 c.1197delG alteration was not observed, with coverage at this position. Based on the available evidence, this alteration is classified as likely pathogenic.

Literature cited by the submitters: PubMed 2044958 (cited by Ambry Genetics).